The following is an entry in ClinVar:

NM_000823.4(GHRHR):c.458C>A (p.Ala153Asp)

Gene: GHRHR (growth hormone releasing hormone receptor; plus strand). Cytogenetic location: 7p14.3.
Variant type: single nucleotide variant.
Coding change: c.458C>A on transcript NM_000823.4 (MANE Select); coding-DNA position 458, C replaced by A.
Protein change: p.Ala153Asp; replaces alanine 153 with aspartic acid.
Molecular consequence: missense variant.
Genome position (GRCh38, 1-based): chr7:30,971,210, C>A. VCF-style: chr7-30971210-C-A. GRCh37 (hg19) VCF-style: chr7-31010825-C-A.
Other names: short protein forms A153D.
Identifiers: ClinVar variation 191335 (VCV000191335.3), dbSNP rs779187338, ClinGen allele CA236453.

ClinVar aggregate classification (germline): Pathogenic/Likely pathogenic. Review status: criteria provided, multiple submitters, no conflicts (2 of 4 stars). 3 submissions from 2 submitters: Pathogenic (1); Likely pathogenic (1). 1 of the submissions does not count toward it. Last evaluated 2025-02-04.

Conditions:
Isolated growth hormone deficiency, type 4. Also called: ISOLATED GROWTH HORMONE DEFICIENCY, TYPE IV; DWARFISM OF SINDH. Identifiers: Orphanet 684247, MedGen C4722273, MONDO:0032567, OMIM 618157.

Submissions (3):

Women's Health and Genetics/Laboratory Corporation of America, LabCorp
Classification: Pathogenic for Isolated growth hormone deficiency, type 4. Last evaluated: 2025-02-04. Review status: criteria provided, single submitter. Criteria: LabCorp Variant Classification Summary - May 2015. Collection method: clinical testing. Allele origin: germline.
Comment: Variant summary: GHRHR c.458C>A (p.Ala153Asp) results in a non-conservative amino acid change located in the G-protein coupled receptors family 2 profile 2 domain (IPR017981) of the encoded protein sequence. Three of five in-silico tools predict a damaging effect of the variant on protein function. The variant was absent in 162344 control chromosomes. c.458C>A has been reported in the literature in multiple homozygous individuals affected with growth hormone deficiency (e.g., Abouelhoda_2016, Cohen_2019, Monies_2019). These data indicate that the variant is very likely to be associated with disease.The following publications have been ascertained in the context of this evaluation (PMID: 27124789, 31231873, 31130284). ClinVar contains an entry for this variant (Variation ID: 191335). Based on the evidence outlined above, the variant was classified as pathogenic.

Genomic Medicine Center of Excellence, King Faisal Specialist Hospital and Research Centre
Classification: Likely pathogenic for Isolated growth hormone deficiency, type 4. Last evaluated: 2024-04-04. Review status: criteria provided, single submitter. Criteria: ACMG Guidelines, 2015. Collection method: clinical testing. Allele origin: germline.

Genomic Medicine Center of Excellence, King Faisal Specialist Hospital and Research Centre
Classification: Likely pathogenic. Review status: flagged submission. Criteria: ACMG Guidelines, 2015. Collection method: research. Allele origin: germline. Affected: yes. Not counted in ClinVar's aggregate classification.
ClinVar note: Reason: This record appears to be redundant with a more recent record from the same submitter.
ClinVar note: Notes: SCV000221727 appears to be redundant with SCV004810184.

Literature cited by the submitters: PubMed 31130284 (cited by Women's Health and Genetics/Laboratory Corporation of America, LabCorp); PubMed 27124789 (cited by Women's Health and Genetics/Laboratory Corporation of America, LabCorp); PubMed 31231873 (cited by Women's Health and Genetics/Laboratory Corporation of America, LabCorp).